The following is an entry in ClinVar:

ClinVar aggregate classification (germline): Uncertain significance (1 of 4 stars; one submission).

Conditions:
Dyskeratosis congenita, autosomal recessive 6 (DKCB6). Identifiers: MedGen C4225356, MONDO:0014600, OMIM 616353.
Pulmonary fibrosis and/or bone marrow failure, Telomere-related, 4. Also called: PULMONARY FIBROSIS AND/OR BONE MARROW FAILURE SYNDROME, TELOMERE-RELATED, 4. Identifiers: Orphanet 2032, MedGen C4225347, MONDO:0014612, OMIM 616371.

Submission:

Labcorp Genetics (formerly Invitae), Labcorp
Classification: Uncertain significance for Dyskeratosis congenita, autosomal recessive 6; Pulmonary fibrosis and/or bone marrow failure, Telomere-related, 4. Last evaluated: 2023-06-24. Review status: criteria provided, single submitter. Criteria: Invitae Variant Classification Sherloc (09022015). Collection method: clinical testing. Allele origin: germline.
Comment: In summary, the available evidence is currently insufficient to determine the role of this variant in disease. Therefore, it has been classified as a Variant of Uncertain Significance. Experimental studies and prediction algorithms are not available or were not evaluated, and the functional significance of this variant is currently unknown. This variant has not been reported in the literature in individuals affected with PARN-related conditions. This variant results in a copy number gain of the genomic region encompassing exon(s) 1-21 of the PARN gene. This region includes the initiator codon of the gene. This copy number gain extends beyond the assayed region for this gene and therefore may encompass additional genes. As the precise location of this event is unknown, it may be in tandem or it may be located elsewhere in the genome.

NC_000016.9:g.(?_14645858)_(14724045_?)dup

Gene: PARN (poly(A)-specific ribonuclease; minus strand). Cytogenetic location: 16p13.12.
Variant type: Duplication.
Identifiers: ClinVar variation 1511933 (VCV001511933.8).